The following is an entry in ClinVar:

ClinVar aggregate classification (germline): Conflicting classifications of pathogenicity. Review status: criteria provided, conflicting classifications (1 of 4 stars). 8 submissions from 7 submitters: Uncertain significance (2); Benign (1); Likely benign (5). Last evaluated 2026-03-27.

Conditions:
Cardiovascular phenotype. Identifiers: MedGen CN230736.
Naxos disease (NXD). Also called: CARDIOMYOPATHY, ARRHYTHMOGENIC RIGHT VENTRICULAR, WITH SKIN, HAIR, AND NAIL ABNORMALITIES; MAL DE NAXOS; PALMOPLANTAR KERATODERMA WITH ARRHYTHMOGENIC RIGHT VENTRICULAR CARDIOMYOPATHY AND WOOLLY HAIR; KERATOSIS PALMOPLANTARIS WITH ARRHYTHMOGENIC CARDIOMYOPATHY; WOOLLY HAIR, PALMOPLANTAR KERATODERMA, AND CARDIAC ABNORMALITIES. Identifiers: Orphanet 34217, MedGen C1832600, MONDO:0011017, OMIM 601214.
Arrhythmogenic right ventricular dysplasia 12. Also called: ARRHYTHMOGENIC RIGHT VENTRICULAR DYSPLASIA, FAMILIAL, 12. Identifiers: MedGen C1969081, MONDO:0012684, OMIM 611528.

Allele frequency attached by ClinVar (database versions not stated): ExAC 0.00003; gnomAD 0.00006 and 0.00007; TOPMed 0.00006; ESP Exome Variant Server 0.00015.
gnomAD v4.1: 103 of 1,611,504 alleles (0.0064%); highest among the groups gnomAD compares: Middle Eastern, 0.016%; no homozygotes.

Submissions (8):

Molecular Diagnostic Laboratory for Inherited Cardiovascular Disease, Montreal Heart Institute
Classification: Likely benign. Last evaluated: 2026-03-27. Review status: criteria provided, single submitter. Criteria: ACMG Guidelines, 2015. Collection method: clinical testing. Allele origin: germline. Affected: no.
Comment: BP7

Labcorp Genetics (formerly Invitae), Labcorp
Classification: Likely benign for Arrhythmogenic right ventricular dysplasia 12; Naxos disease. Last evaluated: 2026-01-18. Review status: criteria provided, single submitter. Criteria: Invitae Variant Classification Sherloc (09022015). Collection method: clinical testing. Allele origin: germline.

Blueprint Genetics
Classification: Likely benign. Last evaluated: 2024-10-24. Review status: criteria provided, single submitter. Criteria: ACMG Guidelines, 2015. Collection method: clinical testing. Allele origin: germline.

Women's Health and Genetics/Laboratory Corporation of America, LabCorp
Classification: Benign. Last evaluated: 2023-06-10. Review status: criteria provided, single submitter. Criteria: LabCorp Variant Classification Summary - May 2015. Collection method: clinical testing. Allele origin: germline.

GeneDx
Classification: Likely benign. Last evaluated: 2018-11-14. Review status: criteria provided, single submitter. Criteria: GeneDx Variant Classification Process June 2021. Collection method: clinical testing. Allele origin: germline. Affected: yes.

Ambry Genetics
Classification: Likely benign for Cardiovascular phenotype. Last evaluated: 2018-05-09. Review status: criteria provided, single submitter. Criteria: Ambry Variant Classification Scheme 2023. Collection method: clinical testing. Allele origin: germline.

Illumina Laboratory Services, Illumina
Classification: Uncertain significance for Naxos disease. Last evaluated: 2018-01-12. Review status: criteria provided, single submitter. Criteria: ICSL Variant Classification Criteria 13 December 2019. Collection method: clinical testing. Allele origin: germline.

Illumina Laboratory Services, Illumina
Classification: Uncertain significance for Arrhythmogenic right ventricular dysplasia 12. Last evaluated: 2018-01-12. Review status: criteria provided, single submitter. Criteria: ICSL Variant Classification Criteria 13 December 2019. Collection method: clinical testing. Allele origin: germline.

NM_002230.4(JUP):c.561C>T (p.Ala187=)

Gene: JUP (junction plakoglobin; minus strand). Cytogenetic location: 17q21.2.
Variant type: single nucleotide variant.
Coding change: c.561C>T on transcript NM_002230.4 (MANE Select); coding-DNA position 561, C replaced by T.
Protein change: p.Ala187=; no amino-acid change (alanine 187 retained).
Molecular consequence: synonymous variant.
Genome position (GRCh38, 1-based): chr17:41,769,115, G>A on the plus strand (C>T on the coding strand, the complement: JUP is on the minus strand). VCF-style: chr17-41769115-G-A. GRCh37 (hg19) VCF-style: chr17-39925367-G-A.
Other names: c.561C>T (NM_021991.2, NM_002230.3); c.561C>T, p.Ala187= (NM_001352773.2, NM_001352774.2, NM_001352775.2 and 3 more transcripts).
Identifiers: ClinVar variation 468756 (VCV000468756.58), dbSNP rs139552714, ClinGen allele CA8565446.